The following is an entry in ClinVar:

NM_006517.5(SLC16A2):c.1596C>T (p.Ser532=)

Gene: SLC16A2 (solute carrier family 16 member 2; plus strand). Cytogenetic location: Xq13.2.
Variant type: single nucleotide variant.
Coding change: c.1596C>T on transcript NM_006517.5 (MANE Select); coding-DNA position 1596, C replaced by T.
Protein change: p.Ser532=; no amino-acid change (serine 532 retained).
Molecular consequence: synonymous variant.
Genome position (GRCh38, 1-based): chrX:74,531,529, C>T. VCF-style: chrX-74531529-C-T. GRCh37 (hg19) VCF-style: chrX-73751364-C-T.
Other names: p.Ser532=.
Identifiers: ClinVar variation 167692 (VCV000167692.30), dbSNP rs199904356, ClinGen allele CA234943.

ClinVar aggregate classification (germline): Conflicting classifications of pathogenicity. Review status: criteria provided, conflicting classifications (1 of 4 stars). 7 submissions from 7 submitters: Uncertain significance (1); Benign (4); Likely benign (2). Last evaluated 2026-01-28.

Conditions:
Inborn genetic diseases. Identifiers: MedGen C0950123, MeSH D030342.
Spastic paraplegia. Identifiers: MedGen C0037772, HP:0001258.
Hereditary spastic paraplegia. Also called: Familial spastic paraparesis. Identifiers: Orphanet 685, MedGen C0037773, MONDO:0019064. Disease mechanism: loss of function.

Allele frequency attached by ClinVar (database versions not stated): 1000 Genomes Project 30x 0.00021; 1000 Genomes Project 0.00026; gnomAD 0.00046 and 0.00055; ExAC 0.00048; gnomAD exomes 0.00053 and 0.00089; TOPMed 0.00053; ESP Exome Variant Server 0.00076.
gnomAD v4.1: 1,018 of 1,207,168 alleles (0.084%); highest among the groups gnomAD compares: Non-Finnish European, 0.11%; no homozygotes.

Submissions (7):

Labcorp Genetics (formerly Invitae), Labcorp
Classification: Benign for Spastic paraplegia. Last evaluated: 2026-01-28. Review status: criteria provided, single submitter. Criteria: Invitae Variant Classification Sherloc (09022015). Collection method: clinical testing. Allele origin: germline.

Mayo Clinic Laboratories, Mayo Clinic
Classification: Benign. Last evaluated: 2025-05-01. Review status: criteria provided, single submitter. Criteria: ACMG Guidelines, 2015. Collection method: clinical testing. Allele origin: germline. Observed: 3 variant alleles.
Comment: BS1, BS2, BP4, BP7

GeneDx
Classification: Benign. Last evaluated: 2019-07-09. Review status: criteria provided, single submitter. Criteria: GeneDx Variant Classification Process June 2021. Collection method: clinical testing. Allele origin: germline. Affected: yes.

Ambry Genetics
Classification: Benign for Inborn genetic diseases. Last evaluated: 2017-11-13. Review status: criteria provided, single submitter. Criteria: Ambry Variant Classification Scheme 2023. Collection method: clinical testing. Allele origin: germline.

Genome Diagnostics Laboratory, The Hospital for Sick Children
Classification: Likely benign for Hereditary spastic paraplegia. Last evaluated: 2017-01-31. Review status: criteria provided, single submitter. Criteria: ACMG Guidelines, 2015. Collection method: clinical testing. Allele origin: germline. Affected: yes.

Genetic Services Laboratory, University of Chicago
Classification: Likely benign. Last evaluated: 2016-03-28. Review status: criteria provided, single submitter. Criteria: ACMG Guidelines, 2015. Collection method: clinical testing. Allele origin: germline. Affected: no.

Eurofins Ntd Llc (ga)
Classification: Uncertain significance. Last evaluated: 2014-02-06. Review status: criteria provided, single submitter. Criteria: EGL Classification Definitions 2015. Collection method: clinical testing. Allele origin: germline. Observed: 1 variant allele, 1 hemizygote.